The following is an entry in ClinVar:

ClinVar aggregate classification (germline): Uncertain significance (1 of 4 stars; one submission).

Submission:

Labcorp Genetics (formerly Invitae), Labcorp
Classification: Uncertain significance. Last evaluated: 2022-02-08. Review status: criteria provided, single submitter. Criteria: Invitae Variant Classification Sherloc (09022015). Collection method: clinical testing. Allele origin: germline.
Comment: This variant has not been reported in the literature in individuals affected with CTNNA1-related conditions. Algorithms developed to predict the effect of missense changes on protein structure and function are either unavailable or do not agree on the potential impact of this missense change (SIFT: "Deleterious"; PolyPhen-2: "Probably Damaging"; Align-GVGD: "Class C0"). In summary, the available evidence is currently insufficient to determine the role of this variant in disease. Therefore, it has been classified as a Variant of Uncertain Significance. This variant is not present in population databases (gnomAD no frequency). This sequence change replaces alanine, which is neutral and non-polar, with serine, which is neutral and polar, at codon 408 of the CTNNA1 protein (p.Ala408Ser).

NM_001903.5(CTNNA1):c.1222G>T (p.Ala408Ser)

Gene: CTNNA1 (catenin alpha 1; plus strand). Cytogenetic location: 5q31.2.
Variant type: single nucleotide variant.
Coding change: c.1222G>T on transcript NM_001903.5 (MANE Select); coding-DNA position 1222, G replaced by T.
Protein change: p.Ala408Ser; replaces alanine 408 with serine.
Molecular consequence: missense variant. On other transcripts: 5 prime UTR variant (5), intron variant (2).
Genome position (GRCh38, 1-based): chr5:138,887,568, G>T. VCF-style: chr5-138887568-G-T. GRCh37 (hg19) VCF-style: chr5-138223257-G-T.
Other names: c.1222G>T, p.Ala408Ser (NM_001290307.3, NM_001323982.2, NM_001323983.1 and 3 more transcripts); c.913G>T, p.Ala305Ser (NM_001290309.3); c.853G>T, p.Ala285Ser (NM_001290310.3); c.112G>T, p.Ala38Ser (NM_001290312.1, NM_001323987.1, NM_001323988.1 and 18 more transcripts); c.-286G>T (NM_001324006.1, NM_001324007.1, NM_001324008.1 and 1 more transcripts); c.-161G>T (NM_001324013.1); c.-58+11971G>T (NM_001324012.1); c.-61+11971G>T (NM_001324010.1); short protein forms A38S, A285S, A305S, A408S.
Identifiers: ClinVar variation 2095094 (VCV002095094.4), dbSNP rs2150032559, ClinGen allele CA361133103.
Genomic context (GRCh38, chr5:138,887,568, plus strand): 5'-GACCACGTTTCAGATTCTTTCCTGGAAACCAATGTTCCACTTTTGGTATTGATTGAAGCT[G>T]CAAAGAATGGAAATGAGAAAGAAGTTAAGGAGTATGCCCAAGTTTTCCGTGAACATGCCA-3'
Protein context (NP_001894.2, residues 398-418): NVPLLVLIEA[Ala408Ser]KNGNEKEVKE